The following is an entry in ClinVar:

ClinVar aggregate classification (germline): Uncertain significance (1 of 4 stars; one submission).

Submission:

Labcorp Genetics (formerly Invitae), Labcorp
Classification: Uncertain significance. Last evaluated: 2021-11-05. Review status: criteria provided, single submitter. Criteria: Invitae Variant Classification Sherloc (09022015). Collection method: clinical testing. Allele origin: germline.
Comment: In summary, the available evidence is currently insufficient to determine the role of this variant in disease. Therefore, it has been classified as a Variant of Uncertain Significance. Algorithms developed to predict the effect of missense changes on protein structure and function are either unavailable or do not agree on the potential impact of this missense change (SIFT: "Deleterious"; PolyPhen-2: "Possibly Damaging"; Align-GVGD: "Class C0"). This variant has not been reported in the literature in individuals affected with HK1-related conditions. This variant is not present in population databases (gnomAD no frequency). This sequence change replaces alanine, which is neutral and non-polar, with valine, which is neutral and non-polar, at codon 507 of the HK1 protein (p.Ala507Val).

NM_000188.3(HK1):c.1520C>T (p.Ala507Val)

Gene: HK1 (hexokinase 1; plus strand). Cytogenetic location: 10q22.1.
Variant type: single nucleotide variant.
Coding change: c.1520C>T on transcript NM_000188.3 (MANE Select); coding-DNA position 1520, C replaced by T.
Protein change: p.Ala507Val; replaces alanine 507 with valine.
Molecular consequence: missense variant.
Genome position (GRCh38, 1-based): chr10:69,382,741, C>T. VCF-style: chr10-69382741-C-T. GRCh37 (hg19) VCF-style: chr10-71142497-C-T.
Other names: c.1532C>T, p.Ala511Val (NM_001322364.2, NM_001358263.1, NM_033497.3 and 1 more transcripts); c.1625C>T, p.Ala542Val (NM_001322365.2); c.1436C>T, p.Ala479Val (NM_001322366.1); c.1424C>T, p.Ala475Val (NM_001322367.1); c.1517C>T, p.Ala506Val (NM_033496.3); c.1484C>T, p.Ala495Val (NM_033500.2); short protein forms A507V, A542V, A479V, A506V, A475V, A495V, A511V.
Identifiers: ClinVar variation 1391566 (VCV001391566.6), dbSNP rs2132885926, ClinGen allele CA376910199.
Genomic context (GRCh38, chr10:69,382,741, plus strand): 5'-TGAAGAAGAGGATGCGGGCCGAGATGGAGCTGGGGCTGAGGAAGCAGACGCACAACAATG[C>T]CGTGGTTAAGATGCTGCCCTCCTTCGTCCGGAGAACTCCCGACGGGACCGGTGAGGGCCT-3'
Protein context (NP_000179.2, residues 497-517): LGLRKQTHNN[Ala507Val]VVKMLPSFVR